The following is an entry in ClinVar:

ClinVar aggregate classification (germline): Uncertain significance (1 of 4 stars; one submission).

Conditions:
GM1 gangliosidosis. Identifiers: Orphanet 354, MedGen C0085131, MONDO:0018149.
Mucopolysaccharidosis, MPS-IV-B (MPS4B). Also called: Mucopolysaccharidosis type IV B; Mucopolysaccharidosis type 4B; MORQUIO SYNDROME B; Mucopolysaccharidosis type IVB (Morquio); MPS IVB; Mucopolysaccharidosis Type IVB. Identifiers: Orphanet 309310, Orphanet 582, MedGen C0086652, MONDO:0009660, OMIM 253010.

gnomAD v4.1: 1 of 1,614,150 alleles (0.000062%); highest among the groups gnomAD compares: East Asian, 0.0022%; no homozygotes.

Submission:

Labcorp Genetics (formerly Invitae), Labcorp
Classification: Uncertain significance for Mucopolysaccharidosis, MPS-IV-B; GM1 gangliosidosis. Last evaluated: 2022-08-02. Review status: criteria provided, single submitter. Criteria: Invitae Variant Classification Sherloc (09022015). Collection method: clinical testing. Allele origin: germline.
Comment: This sequence change replaces serine, which is neutral and polar, with tyrosine, which is neutral and polar, at codon 503 of the GLB1 protein (p.Ser503Tyr). This variant is not present in population databases (gnomAD no frequency). This variant has not been reported in the literature in individuals affected with GLB1-related conditions. Advanced modeling of protein sequence and biophysical properties (such as structural, functional, and spatial information, amino acid conservation, physicochemical variation, residue mobility, and thermodynamic stability) performed at Invitae indicates that this missense variant is not expected to disrupt GLB1 protein function. In summary, the available evidence is currently insufficient to determine the role of this variant in disease. Therefore, it has been classified as a Variant of Uncertain Significance.

NM_000404.4(GLB1):c.1508C>A (p.Ser503Tyr)

Gene: GLB1 (galactosidase beta 1; minus strand). Cytogenetic location: 3p22.3.
Variant type: single nucleotide variant.
Coding change: c.1508C>A on transcript NM_000404.4 (MANE Select); coding-DNA position 1508, C replaced by A.
Protein change: p.Ser503Tyr; replaces serine 503 with tyrosine.
Molecular consequence: missense variant.
Genome position (GRCh38, 1-based): chr3:33,014,282, G>T on the plus strand (C>A on the coding strand, the complement: GLB1 is on the minus strand). VCF-style: chr3-33014282-G-T. GRCh37 (hg19) VCF-style: chr3-33055774-G-T.
Other names: c.1418C>A, p.Ser473Tyr (NM_001079811.3); c.1115C>A, p.Ser372Tyr (NM_001135602.3); c.1652C>A, p.Ser551Tyr (NM_001317040.2); c.1508C>A, p.Ser503Tyr (NM_001393580.1); short protein forms S503Y, S551Y, S473Y, S372Y.
Identifiers: ClinVar variation 1962692 (VCV001962692.2), dbSNP rs2471249028, ClinGen allele CA351986757.